The following is an entry in ClinVar:

NM_206933.4(USH2A):c.11189A>G (p.Glu3730Gly)

Gene: USH2A (usherin; minus strand). Cytogenetic location: 1q41.
Variant type: single nucleotide variant.
Coding change: c.11189A>G on transcript NM_206933.4 (MANE Select); coding-DNA position 11189, A replaced by G.
Protein change: p.Glu3730Gly; replaces glutamic acid 3730 with glycine.
Molecular consequence: missense variant.
Genome position (GRCh38, 1-based): chr1:215,759,702, T>C on the plus strand (A>G on the coding strand, the complement: USH2A is on the minus strand). VCF-style: chr1-215759702-T-C. GRCh37 (hg19) VCF-style: chr1-215933044-T-C.
Other names: p.Glu3730Gly; short protein forms E3730G.
Identifiers: ClinVar variation 593106 (VCV000593106.10), dbSNP rs1341032857, ClinGen allele CA344822612.

ClinVar aggregate classification (germline): Conflicting classifications of pathogenicity. Review status: criteria provided, conflicting classifications (1 of 4 stars). 4 submissions from 4 submitters: Likely pathogenic (1); Uncertain significance (3). Last evaluated 2024-07-19.

Conditions:
Usher syndrome type 2A. Also called: RETINAL DISEASE IN USHER SYNDROME TYPE IIA, MODIFIER OF; USHER SYNDROME, TYPE IIA. Identifiers: Orphanet 231178, Orphanet 886, MedGen C1848634, MONDO:0010169, OMIM 276901.

Allele frequency attached by ClinVar (database versions not stated): gnomAD exomes below 0.00001 and 0.00001.
gnomAD v4.1: 5 of 1,614,050 alleles (0.00031%); highest among the groups gnomAD compares: South Asian, 0.0044%; no homozygotes.

Submissions (4):

Labcorp Genetics (formerly Invitae), Labcorp
Classification: Uncertain significance. Last evaluated: 2024-07-19. Review status: criteria provided, single submitter. Criteria: Invitae Variant Classification Sherloc (09022015). Collection method: clinical testing. Allele origin: germline.
Comment: This sequence change replaces glutamic acid, which is acidic and polar, with glycine, which is neutral and non-polar, at codon 3730 of the USH2A protein (p.Glu3730Gly). This variant is present in population databases (no rsID available, gnomAD 0.006%). This variant has not been reported in the literature in individuals affected with USH2A-related conditions. ClinVar contains an entry for this variant (Variation ID: 593106). Advanced modeling of protein sequence and biophysical properties (such as structural, functional, and spatial information, amino acid conservation, physicochemical variation, residue mobility, and thermodynamic stability) performed at Invitae indicates that this missense variant is not expected to disrupt USH2A protein function with a negative predictive value of 95%. In summary, the available evidence is currently insufficient to determine the role of this variant in disease. Therefore, it has been classified as a Variant of Uncertain Significance.

Blueprint Genetics
Classification: Uncertain significance. Last evaluated: 2023-12-29. Review status: criteria provided, single submitter. Criteria: ACMG Guidelines, 2015. Collection method: clinical testing. Allele origin: germline.

Foundation for Research in Genetics and Endocrinology, FRIGE's Institute of Human Genetics
Classification: Likely pathogenic for Usher syndrome type 2A. Last evaluated: 2021-10-26. Review status: criteria provided, single submitter. Criteria: ACMG Guidelines, 2015. Collection method: clinical testing. Allele origin: paternal. Inheritance: Autosomal recessive inheritance. Affected: yes. Observed: 1 heterozygote.
Comment: A heterozygous missense variation in exon 57 of the USH2A gene that results in the amino acid substitution of Glycine for Glutamic acid at codon 3730 was detected. The observed variant c.11189A>G (p.Glu3730Gly) has not been reported in the 1000 genomes and gnomAD database. The in silico prediction of the variant is benign by PolyPhen-2, SIFT, LRT and MutationTaster-2. The reference codon is conserved across species. In summary, the variant meets our criteria to be classified as a likely pathogenic variant.

Eurofins Ntd Llc (ga)
Classification: Uncertain significance. Last evaluated: 2017-07-25. Review status: criteria provided, single submitter. Criteria: EGL Classification Definitions 2015. Collection method: clinical testing. Allele origin: germline. Observed: 1 variant allele, 1 heterozygote.